The following is an entry in ClinVar:

NM_201548.5(CERKL):c.1226G>T (p.Cys409Phe)

Gene: CERKL (CERK like autophagy regulator; minus strand). Cytogenetic location: 2q31.3.
Variant type: single nucleotide variant.
Coding change: c.1226G>T on transcript NM_201548.5 (MANE Select); coding-DNA position 1226, G replaced by T.
Protein change: p.Cys409Phe; replaces cysteine 409 with phenylalanine.
Molecular consequence: missense variant. On other transcripts: non-coding transcript variant (2).
Genome position (GRCh38, 1-based): chr2:181,547,660, C>A on the plus strand (G>T on the coding strand, the complement: CERKL is on the minus strand). VCF-style: chr2-181547660-C-A. GRCh37 (hg19) VCF-style: chr2-182412387-C-A.
Other names: c.1304G>T, p.Cys435Phe (NM_001030311.3); c.887G>T, p.Cys296Phe (NM_001030312.3); c.1019G>T, p.Cys340Phe (NM_001030313.3); c.*508G>T (NM_001030314.1, NM_001030315.1); c.1172G>T, p.Cys391Phe (NM_001160277.2); short protein forms C340F, C391F, C296F, C409F, C435F.
Identifiers: ClinVar variation 2158839 (VCV002158839.1), dbSNP rs778776805, ClinGen allele CA2010499.

ClinVar aggregate classification (germline): Uncertain significance (1 of 4 stars; one submission).

Allele frequency attached by ClinVar (database versions not stated): gnomAD exomes 0.00001; gnomAD 0.00002; ExAC 0.00004.
gnomAD v4.1: 22 of 1,614,042 alleles (0.0014%); highest among the groups gnomAD compares: South Asian, 0.022%; no homozygotes.

Submission:

Labcorp Genetics (formerly Invitae), Labcorp
Classification: Uncertain significance. Last evaluated: 2022-03-10. Review status: criteria provided, single submitter. Criteria: Invitae Variant Classification Sherloc (09022015). Collection method: clinical testing. Allele origin: germline.
Comment: This sequence change replaces cysteine, which is neutral and slightly polar, with phenylalanine, which is neutral and non-polar, at codon 435 of the CERKL protein (p.Cys435Phe). This variant is present in population databases (rs778776805, gnomAD 0.02%). This variant has not been reported in the literature in individuals affected with CERKL-related conditions. Algorithms developed to predict the effect of missense changes on protein structure and function are either unavailable or do not agree on the potential impact of this missense change (SIFT: "Deleterious"; PolyPhen-2: "Probably Damaging"; Align-GVGD: "Class C0"). In summary, the available evidence is currently insufficient to determine the role of this variant in disease. Therefore, it has been classified as a Variant of Uncertain Significance.